The following is an entry in ClinVar:

ClinVar aggregate classification (germline): Likely pathogenic (1 of 4 stars; one submission).

Conditions:
Neurodevelopmental disorder with or without anomalies of the brain, eye, or heart (NEDBEH). Identifiers: Orphanet 494344, MedGen C5567477, MONDO:0014857, OMIM 616975.

Submission:

Daryl Scott Lab, Baylor College of Medicine
Classification: Likely pathogenic for Neurodevelopmental disorder with or without anomalies of the brain, eye, or heart. Last evaluated: 2025-08-05. Review status: criteria provided, single submitter. Criteria: ACMG Guidelines, 2015. Collection method: clinical testing. Allele origin: de novo. Affected: yes. Observed: 1 heterozygote.
Comment: PVS1_supporting, PS2, PM2

NM_001042681.2(RERE):c.4624del (p.His1542fs)

Gene: RERE (arginine-glutamic acid dipeptide repeats; minus strand). Cytogenetic location: 1p36.23.
Variant type: Deletion.
Coding change: c.4624del on transcript NM_001042681.2 (MANE Select); coding-DNA position 4624, one base deleted (C; older notation c.4624delC).
Protein change: p.His1542fs; shifts the reading frame from histidine 1542.
Molecular consequence: frameshift variant.
Genome position (GRCh38, 1-based): chr1:8,355,462, G deleted on the plus strand (C on the coding strand, the reverse complement: RERE is on the minus strand); the first of 5 consecutive G bases (chr1:8,355,462-8,355,466); deleting any one gives the same sequence. VCF-style (leftmost placement, unchanged base first): chr1-8355461-TG-T. GRCh37 (hg19) VCF-style: chr1-8415521-TG-T.
Other names: c.2962del, p.His988fs (NM_001042682.2); c.4624del, p.His1542fs (NM_012102.4); c.4624delC (NM_012102.4); short protein forms H1542fs, H988fs.
Identifiers: ClinVar variation 4075326 (VCV004075326.1).